The following is an entry in ClinVar:

NM_000426.4(LAMA2):c.2756G>A (p.Arg919His)

Gene: LAMA2 (laminin subunit alpha 2; plus strand). Cytogenetic location: 6q22.33.
Variant type: single nucleotide variant.
Coding change: c.2756G>A on transcript NM_000426.4 (MANE Select); coding-DNA position 2756, G replaced by A.
Protein change: p.Arg919His; replaces arginine 919 with histidine.
Molecular consequence: missense variant.
Genome position (GRCh38, 1-based): chr6:129,291,620, G>A. VCF-style: chr6-129291620-G-A. GRCh37 (hg19) VCF-style: chr6-129612765-G-A.
Other names: c.2756G>A (NM_000426.3); c.2756G>A, p.Arg919His (NM_001079823.2); short protein forms R919H.
Identifiers: ClinVar variation 1009589 (VCV001009589.6), dbSNP rs35277491, ClinGen allele CA3993058.

ClinVar aggregate classification (germline): Uncertain significance. Review status: criteria provided, multiple submitters, no conflicts (2 of 4 stars). 2 submissions from 2 submitters: Uncertain significance (2). Last evaluated 2024-11-19.

Conditions:
LAMA2-related muscular dystrophy (LAMA2-RD). Also called: Laminin alpha 2-related dystrophy. Identifiers: MedGen C5679788, MONDO:0100228.

Allele frequency attached by ClinVar (database versions not stated): TOPMed 0.00002.
gnomAD v4.1: 51 of 1,613,054 alleles (0.0032%); highest among the groups gnomAD compares: Middle Eastern, 0.016%; no homozygotes.

Submissions (2):

Labcorp Genetics (formerly Invitae), Labcorp
Classification: Uncertain significance for LAMA2-related muscular dystrophy. Last evaluated: 2024-11-19. Review status: criteria provided, single submitter. Criteria: Invitae Variant Classification Sherloc (09022015). Collection method: clinical testing. Allele origin: germline.
Comment: This sequence change replaces arginine, which is basic and polar, with histidine, which is basic and polar, at codon 919 of the LAMA2 protein (p.Arg919His). This variant is present in population databases (rs35277491, gnomAD 0.01%). This variant has not been reported in the literature in individuals affected with LAMA2-related conditions. ClinVar contains an entry for this variant (Variation ID: 1009589). Invitae Evidence Modeling of protein sequence and biophysical properties (such as structural, functional, and spatial information, amino acid conservation, physicochemical variation, residue mobility, and thermodynamic stability) indicates that this missense variant is not expected to disrupt LAMA2 protein function with a negative predictive value of 95%. In summary, the available evidence is currently insufficient to determine the role of this variant in disease. Therefore, it has been classified as a Variant of Uncertain Significance.

Revvity Omics, Revvity
Classification: Uncertain significance. Last evaluated: 2019-11-19. Review status: criteria provided, single submitter. Criteria: ACMG Guidelines, 2015. Collection method: clinical testing. Allele origin: germline.